The following is an entry in ClinVar:

NM_014855.3(AP5Z1):c.878T>A (p.Leu293His)

Gene: AP5Z1 (adaptor related protein complex 5 subunit zeta 1; plus strand). Cytogenetic location: 7p22.1.
Variant type: single nucleotide variant.
Coding change: c.878T>A on transcript NM_014855.3 (MANE Select); coding-DNA position 878, T replaced by A.
Protein change: p.Leu293His; replaces leucine 293 with histidine.
Molecular consequence: missense variant. On other transcripts: non-coding transcript variant (1).
Genome position (GRCh38, 1-based): chr7:4,784,995, T>A. VCF-style: chr7-4784995-T-A. GRCh37 (hg19) VCF-style: chr7-4824626-T-A.
Other names: p.Leu293His; c.410T>A, p.Leu137His (NM_001364858.1); short protein forms L137H, L293H.
Identifiers: ClinVar variation 3363896 (VCV003363896.2).

ClinVar aggregate classification (germline): Uncertain significance. Review status: criteria provided, multiple submitters, no conflicts (2 of 4 stars). 2 submissions from 2 submitters: Uncertain significance (2). Last evaluated 2023-11-09.

gnomAD v4.1: 45 of 1,611,758 alleles (0.0028%); highest among the groups gnomAD compares: South Asian, 0.049%; no homozygotes.

Submissions (2):

GeneDx
Classification: Uncertain significance. Last evaluated: 2023-11-09. Review status: criteria provided, single submitter. Criteria: GeneDx Variant Classification Process June 2021. Collection method: clinical testing. Allele origin: germline. Affected: yes.
Comment: In silico analysis supports that this missense variant has a deleterious effect on protein structure/function; Has not been previously published as pathogenic or benign to our knowledge

Mayo Clinic Laboratories, Mayo Clinic
Classification: Uncertain significance. Last evaluated: 2023-09-22. Review status: criteria provided, single submitter. Criteria: ACMG Guidelines, 2015. Collection method: clinical testing. Allele origin: germline. Observed: 1 variant allele.
Comment: PM2_moderate